The following is an entry in ClinVar:

NM_006254.4(PRKCD):c.657+6C>G

Gene: PRKCD (protein kinase C delta; plus strand). Cytogenetic location: 3p21.1.
Variant type: single nucleotide variant.
Coding change: c.657+6C>G on transcript NM_006254.4 (MANE Select); 6 bases into the intron after coding-DNA position 657, C replaced by G.
Molecular consequence: intron variant.
Genome position (GRCh38, 1-based): chr3:53,183,212, C>G. VCF-style: chr3-53183212-C-G. GRCh37 (hg19) VCF-style: chr3-53217228-C-G.
Other names: c.657+6C>G (NM_001354680.2, NM_001354679.2, NM_212539.2 and 1 more transcripts); c.714+6C>G (NM_001354676.2); c.705+6C>G (NM_001354678.2).
Identifiers: ClinVar variation 1431772 (VCV001431772.6), dbSNP rs1397485856, ClinGen allele CA908170300.
Genomic context (GRCh38, chr3:53,183,212, plus strand): 5'-CGACAAGATCATCGGCAGATGCACTGGCACCGCGGCCAACAGCCGGGACACTATAGTGAG[C>G]CTGGGTCCGGGGCAGGGCTGGGGATCTGGGGGGCTTGGCCAGATGGGAGGGATTTGCACC-3'

ClinVar aggregate classification (germline): Uncertain significance (1 of 4 stars; one submission).

Conditions:
Autoimmune lymphoproliferative syndrome, type III caused by mutation in PRKCD. Identifiers: Orphanet 3261, Orphanet 664711, MedGen C3809928, MONDO:8000024, OMIM 615559.

Allele frequency attached by ClinVar (database versions not stated): TOPMed below 0.00001.
gnomAD v4.1: 2 of 1,613,798 alleles (0.00012%); highest among the groups gnomAD compares: Non-Finnish European, 0.00017%; no homozygotes.

Submission:

Labcorp Genetics (formerly Invitae), Labcorp
Classification: Uncertain significance for Autoimmune lymphoproliferative syndrome, type III caused by mutation in PRKCD. Last evaluated: 2022-06-20. Review status: criteria provided, single submitter. Criteria: Invitae Variant Classification Sherloc (09022015). Collection method: clinical testing. Allele origin: germline.
Comment: This variant is not present in population databases (gnomAD no frequency). This sequence change falls in intron 8 of the PRKCD gene. It does not directly change the encoded amino acid sequence of the PRKCD protein. It affects a nucleotide within the consensus splice site. This variant has not been reported in the literature in individuals affected with PRKCD-related conditions. In summary, the available evidence is currently insufficient to determine the role of this variant in disease. Therefore, it has been classified as a Variant of Uncertain Significance. Variants that disrupt the consensus splice site are a relatively common cause of aberrant splicing (PMID: 17576681, 9536098). Algorithms developed to predict the effect of sequence changes on RNA splicing suggest that this variant is not likely to affect RNA splicing.

Literature cited by the submitters: PubMed 17576681; PubMed 9536098.